The following is an entry in ClinVar:

ClinVar aggregate classification (germline): Uncertain significance (1 of 4 stars; one submission).

Submission:

GeneDx
Classification: Uncertain significance. Last evaluated: 2019-09-25. Review status: criteria provided, single submitter. Criteria: GeneDx Variant Classification Process June 2021. Collection method: clinical testing. Allele origin: germline. Affected: yes.
Comment: Not observed in large population cohorts (Lek et al., 2016); In silico analysis, which includes protein predictors and evolutionary conservation, supports a deleterious effect; Has not been previously published as pathogenic or benign to our knowledge

NM_152296.5(ATP1A3):c.1517A>G (p.Asp506Gly)

Gene: ATP1A3 (ATPase Na+/K+ transporting subunit alpha 3; minus strand). Cytogenetic location: 19q13.2.
Variant type: single nucleotide variant.
Coding change: c.1517A>G on transcript NM_152296.5 (MANE Select); coding-DNA position 1517, A replaced by G.
Protein change: p.Asp506Gly; replaces aspartic acid 506 with glycine.
Molecular consequence: missense variant.
Genome position (GRCh38, 1-based): chr19:41,978,719, T>C on the plus strand (A>G on the coding strand, the complement: ATP1A3 is on the minus strand). VCF-style: chr19-41978719-T-C. GRCh37 (hg19) VCF-style: chr19-42482871-T-C.
Other names: c.1550A>G, p.Asp517Gly (NM_001256213.2); c.1556A>G, p.Asp519Gly (NM_001256214.2); short protein forms D506G, D517G, D519G.
Identifiers: ClinVar variation 1312365 (VCV001312365.2), dbSNP rs1599715969, ClinGen allele CA406047100.